The following is an entry in ClinVar:

ClinVar aggregate classification (germline): Uncertain significance. Review status: criteria provided, multiple submitters, no conflicts (2 of 4 stars). 3 submissions from 3 submitters: Uncertain significance (3). Last evaluated 2025-02-06.

Conditions:
Congenital myasthenic syndrome 19. Identifiers: Orphanet 590, MedGen C4225235, MONDO:0014745, OMIM 616720.
Inborn genetic diseases. Identifiers: MedGen C0950123, MeSH D030342.

Allele frequency attached by ClinVar (database versions not stated): 1000 Genomes Project 0.00020; 1000 Genomes Project 30x 0.00031.
gnomAD v4.1: 20 of 1,613,502 alleles (0.0012%); highest among the groups gnomAD compares: East Asian, 0.029%; no homozygotes.

Submissions (3):

Revvity Omics, Revvity
Classification: Uncertain significance for Congenital myasthenic syndrome 19. Last evaluated: 2025-02-06. Review status: criteria provided, single submitter. Criteria: ACMG Guidelines, 2015. Collection method: clinical testing. Allele origin: germline.

Ambry Genetics
Classification: Uncertain significance for Inborn genetic diseases. Last evaluated: 2023-06-22. Review status: criteria provided, single submitter. Criteria: Ambry Variant Classification Scheme 2023. Collection method: clinical testing. Allele origin: germline.

Labcorp Genetics (formerly Invitae), Labcorp
Classification: Uncertain significance. Last evaluated: 2022-03-10. Review status: criteria provided, single submitter. Criteria: Invitae Variant Classification Sherloc (09022015). Collection method: clinical testing. Allele origin: germline.
Comment: This sequence change replaces glycine, which is neutral and non-polar, with arginine, which is basic and polar, at codon 80 of the COL13A1 protein (p.Gly80Arg). This variant is present in population databases (rs550915746, gnomAD 0.02%). This variant has not been reported in the literature in individuals affected with COL13A1-related conditions. Algorithms developed to predict the effect of missense changes on protein structure and function output the following: SIFT: "Deleterious"; PolyPhen-2: "Probably Damaging"; Align-GVGD: "Class C0". The arginine amino acid residue is found in multiple mammalian species, which suggests that this missense change does not adversely affect protein function. In summary, the available evidence is currently insufficient to determine the role of this variant in disease. Therefore, it has been classified as a Variant of Uncertain Significance.

NM_001368882.1(COL13A1):c.238G>C (p.Gly80Arg)

Gene: COL13A1 (collagen type XIII alpha 1 chain; plus strand). Cytogenetic location: 10q22.1.
Variant type: single nucleotide variant.
Coding change: c.238G>C on transcript NM_001368882.1 (MANE Select); coding-DNA position 238, G replaced by C.
Protein change: p.Gly80Arg; replaces glycine 80 with arginine.
Molecular consequence: missense variant. On other transcripts: 5 prime UTR variant (1).
Genome position (GRCh38, 1-based): chr10:69,802,661, G>C. VCF-style: chr10-69802661-G-C. GRCh37 (hg19) VCF-style: chr10-71562417-G-C.
Other names: c.238G>C (NM_001130103.1); c.238G>C, p.Gly80Arg (NM_001130103.2, NM_001320951.2, NM_001368883.1 and 11 more transcripts); c.-416G>C (NM_001368886.1); short protein forms G80R.
Identifiers: ClinVar variation 2181592 (VCV002181592.4), dbSNP rs550915746, ClinGen allele CA5534010.
Genomic context (GRCh38, chr10:69,802,661, plus strand): 5'-CTCGCCCACTTTCGGACGGCCGAGCTGCAGGCCCGGGTGCTGCGCCTGGAAGCGGAGCGC[G>C]GGGAGCAGCAAATGGAGACGGCTATTTTGGGACGAGTCAATCAACTGCTGGACGAGGTCT-3'
Protein context (NP_001355811.1, residues 70-90): ARVLRLEAER[Gly80Arg]EQQMETAILG